The following is an entry in ClinVar:

ClinVar aggregate classification (germline): Pathogenic/Likely pathogenic. Review status: criteria provided, multiple submitters, no conflicts (2 of 4 stars). 5 submissions from 5 submitters: Pathogenic (2); Likely pathogenic (3). Last evaluated 2025-08-31.

Conditions:
Dilated cardiomyopathy 1G (CMD1G). Identifiers: Orphanet 154, MedGen C1858763, MONDO:0011400, OMIM 604145.
Autosomal recessive limb-girdle muscular dystrophy type 2J (LGMDR10). Also called: MUSCULAR DYSTROPHY, LIMB-GIRDLE, AUTOSOMAL RECESSIVE 10; Limb-girdle muscular dystrophy, type 2J. Identifiers: Orphanet 140922, MedGen C1837342, MONDO:0012127, OMIM 608807.
Cardiovascular phenotype. Identifiers: MedGen CN230736.
TTN-related disorder. Also called: TTN-related condition; TTN-related disease; TTN-related disorders.

Submissions (5):

GeneDx
Classification: Pathogenic. Last evaluated: 2025-08-31. Review status: criteria provided, single submitter. Criteria: GeneDx Variant Classification Process June 2021. Collection method: clinical testing. Allele origin: germline. Affected: yes.
Comment: Nonsense variant predicted to result in protein truncation or nonsense mediated decay in a gene for which loss of function is a known mechanism of disease; Not observed at significant frequency in large population cohorts (gnomAD); Located in the A-band, a region of TTN for which truncating variants are significantly associated with autosomal dominant cardiomyopathy and also with autosomal recessive skeletal myopathies (PMID: 22335739, 32778822); Has not been previously published as pathogenic or benign to our knowledge; This variant is associated with the following publications: (PMID: 22335739, 32778822)

PreventionGenetics, part of Exact Sciences
Classification: Likely pathogenic for TTN-related condition. Last evaluated: 2025-07-02. Review status: criteria provided, single submitter. Criteria: ACMG Guidelines, 2015. Collection method: clinical testing. Allele origin: germline.
Comment: The TTN c.83104C>T variant is predicted to result in premature protein termination (p.Arg27702*). This variant is located in the A-band region of the protein in which truncating TTN variants have been found more frequently in dilated cardiomyopathy patients than in controls (Herman et al. 2012. PubMed ID: 22335739). RNAseq studies from heart tissue indicate this exon is commonly included in TTN mRNA transcripts (PSI of 98%-100%, Roberts et al. 2015. PubMed ID: 25589632). TTN loss-of-function variants occurring in constitutively expressed exons (PSI > 90%) are more likely to be disease causing for TTN cardiac-related disorders regardless of band location (Roberts et al. 2015. PubMed ID: 25589632; Schafer et al. 2017. PubMed ID: 27869827; Akhtar et al. 2020. PubMed ID: 32964742). Many cases of recessive TTN-related myopathies in which the individual is compound heterozygous for two loss-of-function variants in TTN have also been reported (Ge et al. 2019. PubMed ID: 31053406; Oates et al. 2018. PubMed ID: 29691892; Rees et al. 2021. PubMed ID: 33449170). In summary, this variant is categorized as likely pathogenic. Of note, this variant is considered likely pathogenic for increased risk of TTN-related cardiac disorders, and also for autosomal recessive TTN-related congenital titinopathies.

Labcorp Genetics (formerly Invitae), Labcorp
Classification: Likely pathogenic for Dilated cardiomyopathy 1G; Autosomal recessive limb-girdle muscular dystrophy type 2J. Last evaluated: 2024-07-21. Review status: criteria provided, single submitter. Criteria: Invitae Variant Classification Sherloc (09022015). Collection method: clinical testing. Allele origin: germline.
Comment: This sequence change creates a premature translational stop signal (p.Arg27702*) in the TTN gene. While this is not anticipated to result in nonsense mediated decay, it is expected to create a truncated TTN protein. This variant is not present in population databases (gnomAD no frequency). This variant has not been reported in the literature in individuals affected with TTN-related conditions. ClinVar contains an entry for this variant (Variation ID: 620095). This variant is located in the A band of TTN (PMID: 25589632). Truncating variants in this region are significantly overrepresented in patients affected with dilated cardiomyopathy (PMID: 25589632). Truncating variants in this region have also been reported in individuals affected with autosomal recessive centronuclear myopathy (PMID: 23975875). In summary, the currently available evidence indicates that the variant is pathogenic, but additional data are needed to prove that conclusively. Therefore, this variant has been classified as Likely Pathogenic.

Ambry Genetics
Classification: Likely pathogenic for Cardiovascular phenotype. Last evaluated: 2024-04-12. Review status: criteria provided, single submitter. Criteria: Ambry Variant Classification Scheme 2023. Collection method: clinical testing. Allele origin: germline.
Comment: The p.R18637* variant (also known as c.55909C>T), located in coding exon 153 of the TTN gene, results from a C to T substitution at nucleotide position 55909. This changes the amino acid from an arginine to a stop codon within coding exon 153. This exon is located in the A-band region of the N2-B isoform of the titin protein and is constitutively expressed in TTN transcripts (percent spliced in or PSI 100%). This variant is considered to be rare based on population cohorts in the Genome Aggregation Database (gnomAD). This alteration is expected to result in loss of function by premature protein truncation or nonsense-mediated mRNA decay. While truncating variants in TTN are present in 1-3% of the general population, truncating variants in the A-band are the most common cause of dilated cardiomyopathy (DCM) (Herman DS et al. N. Engl. J. Med., 2012 Feb;366:619-28; Roberts AM et al. Sci Transl Med, 2015 Jan;7:270ra6). TTN truncating variants encoded in constitutive exons (PSI >90%) have been found to be significantly associated with DCM regardless of their position in titin (Schafer S et al. Nat. Genet., 2017 01;49:46-53). Based on the majority of available evidence to date, this variant is likely to be pathogenic.

Laboratorio de Genetica e Diagnostico Molecular, Hospital Israelita Albert Einstein
Classification: Pathogenic for TTN-related disease. Last evaluated: 2019-03-13. Review status: criteria provided, single submitter. Criteria: ACMG Guidelines, 2015. Collection method: clinical testing. Allele origin: germline.
Comment: ACMG classification criteria: PVS1, PM1, PM2

Literature cited by the submitters: PubMed 25589632 (cited by Labcorp Genetics (formerly Invitae), Labcorp); PubMed 23975875 (cited by Labcorp Genetics (formerly Invitae), Labcorp).

NM_001267550.2(TTN):c.83104C>T (p.Arg27702Ter)

Genes: TTN (titin; minus strand), TTN-AS1 (TTN antisense RNA 1; plus strand). Cytogenetic location: 2q31.2.
Variant type: single nucleotide variant.
Coding change: c.83104C>T on transcript NM_001267550.2 (MANE Select); coding-DNA position 83104, C replaced by T.
Protein change: p.Arg27702Ter; replaces arginine 27702 with a stop codon.
Molecular consequence: nonsense.
Genome position (GRCh38, 1-based): chr2:178,563,028, G>A on the plus strand (C>T on the coding strand, the complement: TTN is on the minus strand). VCF-style: chr2-178563028-G-A. GRCh37 (hg19) VCF-style: chr2-179427755-G-A.
Other names: c.83104C>T (NM_001267550.1); c.78181C>T, p.Arg26061Ter (NM_001256850.1); c.55909C>T, p.Arg18637Ter (NM_003319.4); c.75400C>T, p.Arg25134Ter (NM_133378.4); c.56284C>T, p.Arg18762Ter (NM_133432.3); c.56485C>T, p.Arg18829Ter (NM_133437.4); short protein forms R26061*, R27702*, R18637*, R18762*, R18829*, R25134*.
Identifiers: ClinVar variation 620095 (VCV000620095.17), dbSNP rs1559314812, ClinGen allele CA349569463.